The following is an entry in ClinVar:

NM_000051.4(ATM):c.7319_7320del (p.Lys2440fs)

Genes: ATM (ATM serine/threonine kinase; plus strand), C11orf65 (chromosome 11 open reading frame 65; minus strand). Cytogenetic location: 11q22.3.
Variant type: Deletion.
Coding change: c.7319_7320del on transcript NM_000051.4 (MANE Select); coding-DNA positions 7319 to 7320, 2 bases deleted (AG; older notation c.7319_7320delAG).
Protein change: p.Lys2440fs; shifts the reading frame from lysine 2440.
Molecular consequence: frameshift variant. On other transcripts: intron variant (2).
Genome position (GRCh38, 1-based): chr11:108,330,225-108,330,226, AG deleted. VCF-style (leftmost placement, unchanged base first): chr11-108330224-AAG-A. GRCh37 (hg19) VCF-style: chr11-108200951-AAG-A.
Other names: c.7319_7320del, p.Lys2440fs (NM_001351834.2); c.641-21155_641-21154del (NM_001330368.2); c.*38+4994_*38+4995del (NM_001351110.2); short protein forms K2440fs.
Identifiers: ClinVar variation 4169197 (VCV004169197.1).

ClinVar aggregate classification (germline): Pathogenic (1 of 4 stars; one submission).

Conditions:
Hereditary cancer-predisposing syndrome. Also called: Neoplastic Syndromes, Hereditary; Tumor predisposition; Hereditary neoplastic syndrome; Hereditary Cancer Syndrome. Identifiers: Orphanet 140162, MedGen C0027672, MeSH D009386, MONDO:0015356.

Submission:

Ambry Genetics
Classification: Pathogenic for Hereditary cancer-predisposing syndrome. Last evaluated: 2025-07-16. Review status: criteria provided, single submitter. Criteria: Ambry Variant Classification Scheme 2023. Collection method: clinical testing. Allele origin: germline.
Comment: The c.7319_7320delAG pathogenic mutation, located in coding exon 49 of the ATM gene, results from a deletion of two nucleotides at nucleotide positions 7319 to 7320, causing a translational frameshift with a predicted alternate stop codon (p.K2440Sfs*9). This variant is considered to be rare based on population cohorts in the Genome Aggregation Database (gnomAD). This alteration is expected to result in loss of function by premature protein truncation or nonsense-mediated mRNA decay. As such, this alteration is interpreted as a disease-causing mutation.